The following is an entry in ClinVar:

ClinVar aggregate classification (germline): Uncertain significance (1 of 4 stars; one submission).

Conditions:
Hereditary cancer-predisposing syndrome. Also called: Hereditary neoplastic syndrome; Neoplastic Syndromes, Hereditary; Tumor predisposition; Hereditary Cancer Syndrome. Identifiers: Orphanet 140162, MedGen C0027672, MeSH D009386, MONDO:0015356.

Submission:

Ambry Genetics
Classification: Uncertain significance for Hereditary cancer-predisposing syndrome. Last evaluated: 2025-01-06. Review status: criteria provided, single submitter. Criteria: Ambry Variant Classification Scheme 2023. Collection method: clinical testing. Allele origin: germline.
Comment: The p.N764T variant (also known as c.2291A>C), located in coding exon 13 of the ALK gene, results from an A to C substitution at nucleotide position 2291. The asparagine at codon 764 is replaced by threonine, an amino acid with similar properties. This amino acid position is conserved. In addition, this alteration is predicted to be tolerated by in silico analysis. Based on the available evidence, the clinical significance of this variant remains unclear.

NM_004304.5(ALK):c.2291A>C (p.Asn764Thr)

Gene: ALK (ALK receptor tyrosine kinase; minus strand). Cytogenetic location: 2p23.2.
Variant type: single nucleotide variant.
Coding change: c.2291A>C on transcript NM_004304.5 (MANE Select); coding-DNA position 2291, A replaced by C.
Protein change: p.Asn764Thr; replaces asparagine 764 with threonine.
Molecular consequence: missense variant.
Genome position (GRCh38, 1-based): chr2:29,239,744, T>G on the plus strand (A>C on the coding strand, the complement: ALK is on the minus strand). VCF-style: chr2-29239744-T-G. GRCh37 (hg19) VCF-style: chr2-29462610-T-G.
Other names: short protein forms N764T.
Identifiers: ClinVar variation 3855221 (VCV003855221.1).